The following is an entry in ClinVar:

NM_001365276.2(TNXB):c.5053C>G (p.Pro1685Ala)

Gene: TNXB (tenascin XB; minus strand). Cytogenetic location: 6p21.33.
Variant type: single nucleotide variant.
Coding change: c.5053C>G on transcript NM_001365276.2 (MANE Select); coding-DNA position 5053, C replaced by G.
Protein change: p.Pro1685Ala; replaces proline 1685 with alanine.
Molecular consequence: missense variant.
Genome position (GRCh38, 1-based): chr6:32,070,352, G>C on the plus strand (C>G on the coding strand, the complement: TNXB is on the minus strand). VCF-style: chr6-32070352-G-C. GRCh37 (hg19) VCF-style: chr6-32038129-G-C.
Other names: c.5794C>G, p.Pro1932Ala (NM_001428335.1); c.5053C>G, p.Pro1685Ala (NM_019105.8); short protein forms P1932A, P1685A.
Identifiers: ClinVar variation 3459879 (VCV003459879.1).
Genomic context (GRCh38, chr6:32,070,352, plus strand): 5'-CAAAAGAGTCGAACTGGCCCTCAGGAACCGTCCAGGAGAGGCGCAGTGAGTCTGGGGTGG[G>C]GTCTGTCACCCACAGCTCCCCAAGGCGGGGTGGGGCCCCTGGGCTGGCGTCACCTCGGGC-3'
Protein context (NP_001352205.1, residues 1675-1695): PRLGELWVTD[Pro1685Ala]TPDSLRLSWT

ClinVar aggregate classification (germline): Uncertain significance (1 of 4 stars; one submission).

Conditions:
Cardiovascular phenotype. Identifiers: MedGen CN230736.

Submission:

Ambry Genetics
Classification: Uncertain significance for Cardiovascular phenotype. Last evaluated: 2024-10-28. Review status: criteria provided, single submitter. Criteria: Ambry Variant Classification Scheme 2023. Collection method: clinical testing. Allele origin: germline.
Comment: The p.P1685A variant (also known as c.5053C>G), located in coding exon 13 of the TNXB gene, results from a C to G substitution at nucleotide position 5053. The proline at codon 1685 is replaced by alanine, an amino acid with highly similar properties. This amino acid position is conserved. In addition, this alteration is predicted to be tolerated by in silico analysis. Based on the available evidence, the clinical significance of this variant remains unclear.